The following is an entry in ClinVar:

ClinVar aggregate classification (germline): Pathogenic (1 of 4 stars; one submission).

Submission:

Labcorp Genetics (formerly Invitae), Labcorp
Classification: Pathogenic. Last evaluated: 2024-04-25. Review status: criteria provided, single submitter. Criteria: Invitae Variant Classification Sherloc (09022015). Collection method: clinical testing. Allele origin: germline.
Comment: This sequence change creates a premature translational stop signal (p.Val619Phefs*10) in the NFKB1 gene. It is expected to result in an absent or disrupted protein product. Loss-of-function variants in NFKB1 are known to be pathogenic (PMID: 26279205, 29477724). This variant is not present in population databases (gnomAD no frequency). This variant has not been reported in the literature in individuals affected with NFKB1-related conditions. ClinVar contains an entry for this variant (Variation ID: 2117243). For these reasons, this variant has been classified as Pathogenic.

Literature cited by the submitters: PubMed 26279205; PubMed 29477724.

NM_003998.4(NFKB1):c.1855_1856del (p.Val619fs)

Gene: NFKB1 (nuclear factor kappa B subunit 1; plus strand). Cytogenetic location: 4q24.
Variant type: Deletion.
Coding change: c.1855_1856del on transcript NM_003998.4 (MANE Select); coding-DNA positions 1855 to 1856, 2 bases deleted (GT; older notation c.1855_1856delGT).
Protein change: p.Val619fs; shifts the reading frame from valine 619.
Molecular consequence: frameshift variant.
Genome position (GRCh38, 1-based): chr4:102,606,598-102,606,599, GT deleted; deleting any 2 consecutive bases within chr4:102,606,597-102,606,599 gives the same sequence; the c. name uses the placement nearest the transcript's 3' end. VCF-style (leftmost placement, unchanged base first): chr4-102606596-CTG-C. GRCh37 (hg19) VCF-style: chr4-103527753-CTG-C.
Other names: c.1852_1853del, p.Val618fs (NM_001165412.2, NM_001319226.2, NM_001382627.1); c.1855_1856del, p.Val619fs (NM_001382625.1, NM_001382626.1); c.1813_1814del, p.Val605fs (NM_001382628.1); short protein forms V618fs, V619fs, V605fs.
Identifiers: ClinVar variation 2117243 (VCV002117243.4), dbSNP rs2476539997, ClinGen allele CA2580071278.